The following is an entry in ClinVar:

ClinVar aggregate classification (germline): Uncertain significance. Review status: criteria provided, multiple submitters, no conflicts (2 of 4 stars). 5 submissions from 5 submitters: Uncertain significance (5). Last evaluated 2026-07-28.

Conditions:
LRSAM1-related disorder. Also called: LRSAM1-related condition.
Charcot-Marie-Tooth disease axonal type 2P. Also called: CHARCOT-MARIE-TOOTH NEUROPATHY, TYPE 2P; CHARCOT-MARIE-TOOTH DISEASE, AXONAL, TYPE 2G; CMT 2G; Charcot-Marie-Tooth Neuropathy Type 2G. Identifiers: Orphanet 300319, Orphanet 99941, MedGen C3280797, MONDO:0013753, OMIM 614436.

Allele frequency attached by ClinVar (database versions not stated): gnomAD 0.00001; gnomAD exomes 0.00002; TOPMed 0.00002; ExAC 0.00003.

Submissions (5):

PreventionGenetics, part of Exact Sciences
Classification: Uncertain significance for LRSAM1-related condition. Last evaluated: 2026-07-28. Review status: criteria provided, single submitter. Criteria: ACMG Guidelines, 2015. Collection method: clinical testing. Allele origin: germline.
Comment: The LRSAM1 c.49C>T variant is predicted to result in the amino acid substitution p.Arg17Cys. This variant was reported as a variant of uncertain significance with a second LRSAM1 variant in an individual with Charcot-Marie-Tooth disease (Sharma et al. 2022. PubMed ID: 35936615). This variant is reported in 0.013% of alleles in individuals of South Asian descent in gnomAD. At this time, the clinical significance of this variant is uncertain due to the absence of conclusive functional and genetic evidence.

Labcorp Genetics (formerly Invitae), Labcorp
Classification: Uncertain significance for Charcot-Marie-Tooth disease axonal type 2P. Last evaluated: 2025-06-30. Review status: criteria provided, single submitter. Criteria: Invitae Variant Classification Sherloc (09022015). Collection method: clinical testing. Allele origin: germline.
Comment: This sequence change replaces arginine, which is basic and polar, with cysteine, which is neutral and slightly polar, at codon 17 of the LRSAM1 protein (p.Arg17Cys). This variant is present in population databases (rs770259167, gnomAD 0.01%). This missense change has been observed in individual(s) with clinical features of LRSAM1-related conditions (PMID: 35936615; internal data). ClinVar contains an entry for this variant (Variation ID: 1055518). Invitae Evidence Modeling of protein sequence and biophysical properties (such as structural, functional, and spatial information, amino acid conservation, physicochemical variation, residue mobility, and thermodynamic stability) indicates that this missense variant is expected to disrupt LRSAM1 protein function with a positive predictive value of 80%. In summary, the available evidence is currently insufficient to determine the role of this variant in disease. Therefore, it has been classified as a Variant of Uncertain Significance.

GeneDx
Classification: Uncertain significance. Last evaluated: 2024-08-19. Review status: criteria provided, single submitter. Criteria: GeneDx Variant Classification Process June 2021. Collection method: clinical testing. Allele origin: germline. Affected: yes.
Comment: In silico analysis supports that this missense variant has a deleterious effect on protein structure/function; This variant is associated with the following publications: (PMID: 35936615)

Women's Health and Genetics/Laboratory Corporation of America, LabCorp
Classification: Uncertain significance. Last evaluated: 2024-04-09. Review status: criteria provided, single submitter. Criteria: LabCorp Variant Classification Summary - May 2015. Collection method: clinical testing. Allele origin: germline.
Comment: Variant summary: LRSAM1 c.49C>T (p.Arg17Cys) results in a non-conservative amino acid change in the encoded protein sequence. Four of five in-silico tools predict a damaging effect of the variant on protein function. The variant allele was found at a frequency of 2.4e-05 in 251120 control chromosomes. The available data on variant occurrences in the general population are insufficient to allow any conclusion about variant significance. c.49C>T has been reported in the literature as a VUS in a heterozygous individual affected with a reported inherited neuropathy, with an alternate heterozygous variant, phase unknown, reported as likely pathogenic. This report does not provide unequivocal conclusions about association of the variant with Charcot-Marie Disease Type 2P. To our knowledge, no experimental evidence demonstrating an impact on protein function has been reported. The following publication has been ascertained in the context of this evaluation (PMID: 35936615). ClinVar contains an entry for this variant (Variation ID: 1055518). Based on the evidence outlined above, the variant was classified as uncertain significance.

Mayo Clinic Laboratories, Mayo Clinic
Classification: Uncertain significance. Last evaluated: 2022-07-21. Review status: criteria provided, single submitter. Criteria: ACMG Guidelines, 2015. Collection method: clinical testing. Allele origin: germline. Observed: 1 variant allele.

Literature cited by the submitters: PubMed 35936615 (cited by Labcorp Genetics (formerly Invitae), Labcorp and Women's Health and Genetics/Laboratory Corporation of America, LabCorp).

NM_001005373.4(LRSAM1):c.49C>T (p.Arg17Cys)

Gene: LRSAM1 (leucine rich repeat and sterile alpha motif containing 1; plus strand). Cytogenetic location: 9q33.3.
Variant type: single nucleotide variant.
Coding change: c.49C>T on transcript NM_001005373.4 (MANE Select); coding-DNA position 49, C replaced by T.
Protein change: p.Arg17Cys; replaces arginine 17 with cysteine.
Molecular consequence: missense variant. On other transcripts: 5 prime UTR variant (1), non-coding transcript variant (2).
Genome position (GRCh38, 1-based): chr9:127,454,576, C>T. VCF-style: chr9-127454576-C-T. GRCh37 (hg19) VCF-style: chr9-130216855-C-T.
Other names: p.Arg17Cys; c.49C>T, p.Arg17Cys (NM_001005374.4, NM_001190723.3, NM_001384142.1 and 2 more transcripts); c.-736C>T (NM_001384144.1); short protein forms R17C.
Identifiers: ClinVar variation 1055518 (VCV001055518.13), dbSNP rs770259167, ClinGen allele CA5246354.
Genomic context (GRCh38, chr9:127,454,576, plus strand): 5'-GAAAAGGGAAGGATGCCGCTCTTCTTCCGGAAGCGGAAACCCAGTGAGGAGGCTCGGAAA[C>T]GCCTGGAGTACCAGATGTGTTTGGTGAGGGAAAGTGGGTTTCCTCTAACTCTATCCCATC-3'
Protein context (NP_001005373.1, residues 7-27): KRKPSEEARK[Arg17Cys]LEYQMCLAKE